The following is an entry in ClinVar:

NM_000285.4(PEPD):c.379C>T (p.Gln127Ter)

Gene: PEPD (peptidase D; minus strand). Cytogenetic location: 19q13.11.
Variant type: single nucleotide variant.
Coding change: c.379C>T on transcript NM_000285.4 (MANE Select); coding-DNA position 379, C replaced by T.
Protein change: p.Gln127Ter; replaces glutamine 127 with a stop codon.
Molecular consequence: nonsense. On other transcripts: intron variant (1).
Genome position (GRCh38, 1-based): chr19:33,500,952, G>A on the plus strand (C>T on the coding strand, the complement: PEPD is on the minus strand). VCF-style: chr19-33500952-G-A. GRCh37 (hg19) VCF-style: chr19-33991858-G-A.
Other names: c.379C>T, p.Gln127Ter (NM_001166056.2); c.202-7615C>T (NM_001166057.2); short protein forms Q127*.
Identifiers: ClinVar variation 2761059 (VCV002761059.3), dbSNP rs747638822, ClinGen allele CA9364391.
Genomic context (GRCh38, chr19:33,500,952, plus strand): 5'-CATGCTGGAAGCCCTGGGCTGCTCAGAGGAGGAGCCGGCTACCCACCTCATCTACGTACT[G>A]GACGTCGTCCACGGCATACTTCTCCTTGAAGTGCTCCTTGGAATGGATCCTCAAAGAAAA-3'

ClinVar aggregate classification (germline): Pathogenic (1 of 4 stars; one submission).

Allele frequency attached by ClinVar (database versions not stated): TOPMed below 0.00001; ExAC 0.00001.

Submission:

Labcorp Genetics (formerly Invitae), Labcorp
Classification: Pathogenic. Last evaluated: 2023-09-17. Review status: criteria provided, single submitter. Criteria: Invitae Variant Classification Sherloc (09022015). Collection method: clinical testing. Allele origin: germline.
Comment: This variant is present in population databases (rs747638822, gnomAD 0.006%). This sequence change creates a premature translational stop signal (p.Gln127*) in the PEPD gene. It is expected to result in an absent or disrupted protein product. Loss-of-function variants in PEPD are known to be pathogenic (PMID: 8198124, 10721675, 12384772, 17142620). This variant has not been reported in the literature in individuals affected with PEPD-related conditions. For these reasons, this variant has been classified as Pathogenic.

Literature cited by the submitters: PubMed 8198124; PubMed 10721675; PubMed 12384772; PubMed 17142620.